The following is an entry in ClinVar:

NM_015338.6(ASXL1):c.587A>T (p.Asp196Val)

Gene: ASXL1 (ASXL transcriptional regulator 1; plus strand). Cytogenetic location: 20q11.21.
Variant type: single nucleotide variant.
Coding change: c.587A>T on transcript NM_015338.6 (MANE Select); coding-DNA position 587, A replaced by T.
Protein change: p.Asp196Val; replaces aspartic acid 196 with valine.
Molecular consequence: missense variant. On other transcripts: intron variant (1).
Genome position (GRCh38, 1-based): chr20:32,429,922, A>T. VCF-style: chr20-32429922-A-T. GRCh37 (hg19) VCF-style: chr20-31017725-A-T.
Other names: c.535+491A>T (NM_001363734.1); short protein forms D196V.
Identifiers: ClinVar variation 4864158 (VCV004864158.1).

ClinVar aggregate classification (germline): Uncertain significance (1 of 4 stars; one submission).

Conditions:
Inborn genetic diseases. Identifiers: MedGen C0950123, MeSH D030342.

Submission:

Ambry Genetics
Classification: Uncertain significance for Inborn genetic diseases. Last evaluated: 2026-03-29. Review status: criteria provided, single submitter. Criteria: Ambry Variant Classification Scheme 2023. Collection method: clinical testing. Allele origin: germline.
Comment: The p.D196V variant (also known as c.587A>T), located in coding exon 8 of the ASXL1 gene, results from an A to T substitution at nucleotide position 587. The aspartic acid at codon 196 is replaced by valine, an amino acid with highly dissimilar properties. This amino acid position is conserved. In addition, this alteration is predicted to be tolerated by in silico analysis. Based on the available evidence, the clinical significance of this variant remains unclear.